The following is an entry in ClinVar:

NM_000188.3(HK1):c.1735G>A (p.Val579Ile)

Gene: HK1 (hexokinase 1; plus strand). Cytogenetic location: 10q22.1.
Variant type: single nucleotide variant.
Coding change: c.1735G>A on transcript NM_000188.3 (MANE Select); coding-DNA position 1735, G replaced by A.
Protein change: p.Val579Ile; replaces valine 579 with isoleucine.
Molecular consequence: missense variant.
Genome position (GRCh38, 1-based): chr10:69,384,811, G>A. VCF-style: chr10-69384811-G-A. GRCh37 (hg19) VCF-style: chr10-71144567-G-A.
Other names: c.1747G>A, p.Val583Ile (NM_001322364.2, NM_001358263.1, NM_033497.3 and 1 more transcripts); c.1840G>A, p.Val614Ile (NM_001322365.2); c.1651G>A, p.Val551Ile (NM_001322366.1); c.1639G>A, p.Val547Ile (NM_001322367.1); c.1732G>A, p.Val578Ile (NM_033496.3); c.1699G>A, p.Val567Ile (NM_033500.2); short protein forms V547I, V551I, V567I, V578I, V579I, V583I, V614I.
Identifiers: ClinVar variation 1009315 (VCV001009315.9), dbSNP rs1204629599, ClinGen allele CA376911881.

ClinVar aggregate classification (germline): Uncertain significance. Review status: criteria provided, multiple submitters, no conflicts (2 of 4 stars). 2 submissions from 2 submitters: Uncertain significance (2). Last evaluated 2020-03-05.

Allele frequency attached by ClinVar (database versions not stated): gnomAD exomes below 0.00001.
gnomAD v4.1: 9 of 1,614,160 alleles (0.00056%); highest among the groups gnomAD compares: Non-Finnish European, 0.00068%; no homozygotes.

Submissions (2):

Labcorp Genetics (formerly Invitae), Labcorp
Classification: Uncertain significance. Last evaluated: 2020-03-05. Review status: criteria provided, single submitter. Criteria: Invitae Variant Classification Sherloc (09022015). Collection method: clinical testing. Allele origin: germline.
Comment: In summary, the available evidence is currently insufficient to determine the role of this variant in disease. Therefore, it has been classified as a Variant of Uncertain Significance. Algorithms developed to predict the effect of missense changes on protein structure and function (SIFT, PolyPhen-2, Align-GVGD) all suggest that this variant is likely to be tolerated, but these predictions have not been confirmed by published functional studies and their clinical significance is uncertain. This variant has not been reported in the literature in individuals with HK1-related conditions. This variant is not present in population databases (ExAC no frequency). This sequence change replaces valine with isoleucine at codon 579 of the HK1 protein (p.Val579Ile). The valine residue is moderately conserved and there is a small physicochemical difference between valine and isoleucine.

Blueprint Genetics
Classification: Uncertain significance. Last evaluated: 2019-08-20. Review status: criteria provided, single submitter. Criteria: ACMG Guidelines, 2015. Collection method: clinical testing. Allele origin: germline.